The following is an entry in ClinVar:

ClinVar aggregate classification (germline): Uncertain significance (1 of 4 stars; one submission).

Conditions:
Neuropathy, hereditary sensory and autonomic, type 2A (HSAN2A). Also called: WNK1-Related HSAN2 (HSAN2A); NEUROPATHY, CONGENITAL SENSORY; NEUROPATHY, HEREDITARY SENSORY RADICULAR, AUTOSOMAL RECESSIVE; NEUROPATHY, HEREDITARY SENSORY, TYPE IIA; NEUROPATHY, PROGRESSIVE SENSORY, OF CHILDREN; HSAN IIA. Identifiers: Orphanet 970, MedGen C2752089, MONDO:0024309, OMIM 201300.
Generalized epilepsy with febrile seizures plus, type 7 (GEFSP7). Also called: GEFS+, TYPE 7. Identifiers: Orphanet 36387, MedGen C2751778, MONDO:0013470, OMIM 613863.

Allele frequency attached by ClinVar (database versions not stated): gnomAD exomes below 0.00001.
gnomAD v4.1: 1 of 1,613,496 alleles (0.000062%); highest among the groups gnomAD compares: Non-Finnish European, 0.000085%; no homozygotes.

Submission:

Labcorp Genetics (formerly Invitae), Labcorp
Classification: Uncertain significance for Neuropathy, hereditary sensory and autonomic, type 2A; Generalized epilepsy with febrile seizures plus, type 7. Last evaluated: 2021-08-26. Review status: criteria provided, single submitter. Criteria: Invitae Variant Classification Sherloc (09022015). Collection method: clinical testing. Allele origin: germline.
Comment: In summary, the available evidence is currently insufficient to determine the role of this variant in disease. Therefore, it has been classified as a Variant of Uncertain Significance. Algorithms developed to predict the effect of missense changes on protein structure and function (SIFT, PolyPhen-2, Align-GVGD) all suggest that this variant is likely to be tolerated. This variant has not been reported in the literature in individuals affected with SCN9A-related conditions. This variant is not present in population databases (ExAC no frequency). This sequence change replaces lysine with threonine at codon 1037 of the SCN9A protein (p.Lys1037Thr). The lysine residue is moderately conserved and there is a moderate physicochemical difference between lysine and threonine.

NM_001365536.1(SCN9A):c.3143A>C (p.Lys1048Thr)

Genes: SCN1A-AS1 (SCN1A and SCN9A antisense RNA 1; plus strand), SCN9A (sodium voltage-gated channel alpha subunit 9; minus strand). Cytogenetic location: 2q24.3.
Variant type: single nucleotide variant.
Coding change: c.3143A>C on transcript NM_001365536.1 (MANE Select); coding-DNA position 3143, A replaced by C.
Protein change: p.Lys1048Thr; replaces lysine 1048 with threonine.
Molecular consequence: missense variant.
Genome position (GRCh38, 1-based): chr2:166,272,607, T>G on the plus strand (A>C on the coding strand, the complement: SCN9A is on the minus strand). VCF-style: chr2-166272607-T-G. GRCh37 (hg19) VCF-style: chr2-167129117-T-G.
Other names: c.3110A>C, p.Lys1037Thr (NM_002977.4); short protein forms K1048T, K1037T.
Identifiers: ClinVar variation 1510770 (VCV001510770.6), dbSNP rs1558998703, ClinGen allele CA349073626.